The following is an entry in ClinVar:

ClinVar aggregate classification (germline): Uncertain significance. Review status: criteria provided, single submitter (1 of 4 stars). 2 submissions from 2 submitters: Uncertain significance (1). 1 of the submissions does not count toward it. Last evaluated 2025-08-23.

Conditions:
Retinitis pigmentosa 80 (RP80). Identifiers: MedGen C4540439, MONDO:0054708, OMIM 617781.
Saldino-Mainzer syndrome (SRTD9). Also called: short-rib thoracic dysplasia 9 with or without polydactyly; CONORENAL SYNDROME; SHORT-RIB THORACIC DYSPLASIA 9 WITHOUT POLYDACTYLY; Renal dysplasia, retinal pigmentary dystrophy, cerebellar ataxia and skeletal dysplasia. Identifiers: Orphanet 140969, MedGen C1849437, MONDO:0009964, OMIM 266920.

Allele frequency attached by ClinVar (database versions not stated): gnomAD exomes below 0.00001 and 0.00001; gnomAD 0.00001; TOPMed 0.00001.
gnomAD v4.1: 3 of 1,610,208 alleles (0.00019%); highest among the groups gnomAD compares: African/African-American, 0.0027%; no homozygotes.

Submissions (2):

Labcorp Genetics (formerly Invitae), Labcorp
Classification: Uncertain significance for Saldino-Mainzer syndrome. Last evaluated: 2025-08-23. Review status: criteria provided, single submitter. Criteria: Invitae Variant Classification Sherloc (09022015). Collection method: clinical testing. Allele origin: germline.
Comment: This sequence change replaces cysteine, which is neutral and slightly polar, with arginine, which is basic and polar, at codon 329 of the IFT140 protein (p.Cys329Arg). This variant is present in population databases (no rsID available, gnomAD 0.007%). This missense change has been observed in individual(s) with autosomal recessive Leber congenital amaurosis (PMID: 26216056). In at least one individual the data is consistent with being in trans (on the opposite chromosome) from a pathogenic variant. ClinVar contains an entry for this variant (Variation ID: 446313). Invitae Evidence Modeling of protein sequence and biophysical properties (such as structural, functional, and spatial information, amino acid conservation, physicochemical variation, residue mobility, and thermodynamic stability) has been performed for this missense variant. However, the output from this modeling did not meet the statistical confidence thresholds required to predict the impact of this variant on IFT140 protein function. In summary, the available evidence is currently insufficient to determine the role of this variant in disease. Therefore, it has been classified as a Variant of Uncertain Significance.

OMIM
Classification: Pathogenic for RETINITIS PIGMENTOSA 80. Last evaluated: 2017-11-22. Review status: no assertion criteria provided. Collection method: literature only. Allele origin: germline. Not counted in ClinVar's aggregate classification.

Literature cited by the submitters: PubMed 26216056 (cited by Labcorp Genetics (formerly Invitae), Labcorp and OMIM).

NM_014714.4(IFT140):c.985T>C (p.Cys329Arg)

Genes: IFT140 (intraflagellar transport 140; minus strand), LOC105371046 (uncharacterized LOC105371046; plus strand). Cytogenetic location: 16p13.3.
Variant type: single nucleotide variant.
Coding change: c.985T>C on transcript NM_014714.4 (MANE Select); coding-DNA position 985, T replaced by C.
Protein change: p.Cys329Arg; replaces cysteine 329 with arginine.
Molecular consequence: missense variant.
Genome position (GRCh38, 1-based): chr16:1,587,222, A>G on the plus strand (T>C on the coding strand, the complement: IFT140 is on the minus strand). VCF-style: chr16-1587222-A-G. GRCh37 (hg19) VCF-style: chr16-1637223-A-G.
Other names: short protein forms C329R.
Identifiers: ClinVar variation 446313 (VCV000446313.2), dbSNP rs1441549097, ClinGen allele CA394216724.
Genomic context (GRCh38, chr16:1,587,222, plus strand): 5'-GTTCTGTTTCTCTTGTGCCAGGCCAGGAAGCCTCACCTTTGACTTTACAGTAACACACAC[A>G]GTTCATATTCTCTCCTTTCTCAAAGCCAAACTTCTCATCTGGACTCAGTATATAATTCTC-3'
Protein context (NP_055529.2, residues 319-339): FGFEKGENMN[Cys329Arg]VCYCKVKGLL